The following is an entry in ClinVar:

NM_001127671.2(LIFR):c.143-2del

Gene: LIFR (LIF receptor subunit alpha; minus strand). Cytogenetic location: 5p13.1.
Variant type: Deletion.
Coding change: c.143-2del on transcript NM_001127671.2 (MANE Select); the canonical splice acceptor site of the intron before coding-DNA position 143, one base deleted (A; older notation c.143-2delA).
Molecular consequence: splice acceptor variant.
Genome position (GRCh38, 1-based): chr5:38,528,842, T deleted on the plus strand (A on the coding strand, the reverse complement: LIFR is on the minus strand). VCF-style (leftmost placement, unchanged base first): chr5-38528841-CT-C. GRCh37 (hg19) VCF-style: chr5-38528943-CT-C.
Other names: c.143-2del (NM_002310.6, NM_001364298.2, NM_001364297.2).
Identifiers: ClinVar variation 1487701 (VCV001487701.6), dbSNP rs2112564811, ClinGen allele CA2573139617.
Genomic context (GRCh38, chr5:38,528,841, plus strand): 5'-TCCAAGAACAGTTCCACACTTGCAAATTGTTAGTTACACACTTCAAATCATGAGGAGCCC[CT>C]GGAGGAGACACACACACACACACACACACACACACAGACACACATAAACACAGAATATGC-3'

ClinVar aggregate classification (germline): Likely pathogenic (1 of 4 stars; one submission).

Submission:

Labcorp Genetics (formerly Invitae), Labcorp
Classification: Likely pathogenic. Last evaluated: 2022-03-12. Review status: criteria provided, single submitter. Criteria: Invitae Variant Classification Sherloc (09022015). Collection method: clinical testing. Allele origin: germline.
Comment: This variant has not been reported in the literature in individuals affected with LIFR-related conditions. This variant is not present in population databases (gnomAD no frequency). This sequence change affects a splice site in intron 2 of the LIFR gene. It is expected to disrupt RNA splicing. Variants that disrupt the donor or acceptor splice site typically lead to a loss of protein function (PMID: 16199547), and loss-of-function variants in LIFR are known to be pathogenic (PMID: 14740318). Algorithms developed to predict the effect of sequence changes on RNA splicing suggest that this variant may disrupt the consensus splice site. In summary, the currently available evidence indicates that the variant is pathogenic, but additional data are needed to prove that conclusively. Therefore, this variant has been classified as Likely Pathogenic.

Literature cited by the submitters: PubMed 16199547; PubMed 14740318.